The following is an entry in ClinVar:

ClinVar aggregate classification (germline): Uncertain significance (1 of 4 stars; one submission).

Conditions:
Neurofibromatosis, type 1 (NF1). Also called: NEUROFIBROMATOSIS, TYPE I, SOMATIC; Neurofibromatosis, type I; VON RECKLINGHAUSEN DISEASE; Peripheral type neurofibromatosis. Identifiers: Orphanet 636, MedGen C0027831, MONDO:0018975, OMIM 162200. Disease mechanism: loss of function.

Submission:

Labcorp Genetics (formerly Invitae), Labcorp
Classification: Uncertain significance for Neurofibromatosis, type 1. Last evaluated: 2024-07-10. Review status: criteria provided, single submitter. Criteria: Invitae Variant Classification Sherloc (09022015). Collection method: clinical testing. Allele origin: germline.
Comment: This sequence change falls in intron 33 of the NF1 gene. It does not directly change the encoded amino acid sequence of the NF1 protein. This variant is not present in population databases (gnomAD no frequency). This variant has not been reported in the literature in individuals affected with NF1-related conditions. Algorithms developed to predict the effect of sequence changes on RNA splicing suggest that this variant may create or strengthen a splice site. In summary, the available evidence is currently insufficient to determine the role of this variant in disease. Therefore, it has been classified as a Variant of Uncertain Significance.

NM_001042492.3(NF1):c.4578-17T>C

Gene: NF1 (neurofibromin 1; plus strand). Cytogenetic location: 17q11.2.
Variant type: single nucleotide variant.
Coding change: c.4578-17T>C on transcript NM_001042492.3 (MANE Select); 17 bases into the intron before coding-DNA position 4578, T replaced by C.
Molecular consequence: intron variant.
Genome position (GRCh38, 1-based): chr17:31,261,694, T>C. VCF-style: chr17-31261694-T-C. GRCh37 (hg19) VCF-style: chr17-29588712-T-C.
Other names: c.4515-17T>C (NM_000267.4).
Identifiers: ClinVar variation 3704681 (VCV003704681.2).
Genomic context (GRCh38, chr17:31,261,694, plus strand): 5'-CCAGTTACAAGTTAAAGAAATGTGTAGTGCTAAATGTGAACTGCTAATTTTTTTTCTAAG[T>C]AGTTTGCTGTATCTAGGGATCATAAAGCTGTTGGAAGACGACCTTTTGATAAGATGGCAA-3'